The following is an entry in ClinVar:

ClinVar aggregate classification (germline): Uncertain significance (1 of 4 stars; one submission).

Submission:

Labcorp Genetics (formerly Invitae), Labcorp
Classification: Uncertain significance. Last evaluated: 2025-12-11. Review status: criteria provided, single submitter. Criteria: Invitae Variant Classification Sherloc (09022015). Collection method: clinical testing. Allele origin: germline.
Comment: This sequence change creates a premature translational stop signal (p.Gly422Alafs*17) in the FSCN2 gene. While this is not anticipated to result in nonsense mediated decay, it is expected to disrupt the last 95 amino acid(s) of the FSCN2 protein. This variant is present in population databases (rs752025582, gnomAD 0.009%). This variant has not been reported in the literature in individuals affected with FSCN2-related conditions. Experimental studies and prediction algorithms are not available or were not evaluated, and the functional significance of this variant is currently unknown. In summary, the available evidence is currently insufficient to determine the role of this variant in disease. Therefore, it has been classified as a Variant of Uncertain Significance.

NM_012418.4(FSCN2):c.1193del (p.Gly398fs)

Gene: FSCN2 (fascin actin-bundling protein 2, retinal; plus strand). Cytogenetic location: 17q25.3.
Variant type: Deletion.
Coding change: c.1193del on transcript NM_012418.4 (MANE Select); coding-DNA position 1193, one base deleted (G; older notation c.1193delG).
Protein change: p.Gly398fs; shifts the reading frame from glycine 398.
Molecular consequence: frameshift variant.
Genome position (GRCh38, 1-based): chr17:81,536,709, G deleted; the last of 2 consecutive G bases (chr17:81,536,708-81,536,709); deleting either gives the same sequence. VCF-style (leftmost placement, unchanged base first): chr17-81536707-CG-C. GRCh37 (hg19) VCF-style: chr17-79503733-CG-C.
Other names: c.1265del, p.Gly422fs (NM_001077182.3); short protein forms G422fs, G398fs.
Identifiers: ClinVar variation 4773847 (VCV004773847.1).